The following is an entry in ClinVar:

ClinVar aggregate classification (germline): Uncertain significance. Review status: criteria provided, multiple submitters, no conflicts (2 of 4 stars). 2 submissions from 2 submitters: Uncertain significance (2). Last evaluated 2024-11-30.

Conditions:
Severe early-onset pulmonary alveolar proteinosis due to MARS deficiency. Also called: PULMONARY ALVEOLAR PROTEINOSIS, REUNION ISLAND; Interstitial lung and liver disease. Identifiers: Orphanet 440427, MedGen C4225400, MONDO:0014206, OMIM 615486.
Charcot-Marie-Tooth disease axonal type 2U. Also called: CHARCOT-MARIE-TOOTH NEUROPATHY, TYPE 2U; CHARCOT-MARIE-TOOTH DISEASE, AXONAL, AUTOSOMAL DOMINANT, TYPE 2U. Identifiers: Orphanet 397735, MedGen C4084821, MONDO:0014566, OMIM 616280.

Allele frequency attached by ClinVar (database versions not stated): gnomAD exomes 0.00001.
gnomAD v4.1: 10 of 1,613,884 alleles (0.00062%); highest among the groups gnomAD compares: Non-Finnish European, 0.00085%; no homozygotes.

Submissions (2):

Labcorp Genetics (formerly Invitae), Labcorp
Classification: Uncertain significance for Charcot-Marie-Tooth disease axonal type 2U; Severe early-onset pulmonary alveolar proteinosis due to MARS deficiency. Last evaluated: 2024-11-30. Review status: criteria provided, single submitter. Criteria: Invitae Variant Classification Sherloc (09022015). Collection method: clinical testing. Allele origin: germline.
Comment: This sequence change replaces arginine, which is basic and polar, with histidine, which is basic and polar, at codon 301 of the MARS protein (p.Arg301His). This variant is not present in population databases (gnomAD no frequency). This variant has not been reported in the literature in individuals affected with MARS-related conditions. ClinVar contains an entry for this variant (Variation ID: 1800252). An algorithm developed to predict the effect of missense changes on protein structure and function (PolyPhen-2) suggests that this variant is likely to be disruptive. In summary, the available evidence is currently insufficient to determine the role of this variant in disease. Therefore, it has been classified as a Variant of Uncertain Significance.

Ambry Genetics
Classification: Uncertain significance. Last evaluated: 2020-08-25. Review status: criteria provided, single submitter. Criteria: Ambry Variant Classification Scheme 2023. Collection method: clinical testing. Allele origin: germline.
Comment: The p.R301H variant (also known as c.902G>A), located in coding exon 9 of the MARS gene, results from a G to A substitution at nucleotide position 902. The arginine at codon 301 is replaced by histidine, an amino acid with highly similar properties. This amino acid position is highly conserved in available vertebrate species. In addition, the in silico prediction for this alteration is inconclusive. Since supporting evidence is limited at this time, the clinical significance of this alteration remains unclear.

NM_004990.4(MARS1):c.902G>A (p.Arg301His)

Gene: MARS1 (methionyl-tRNA synthetase 1; plus strand). Cytogenetic location: 12q13.3.
Variant type: single nucleotide variant.
Coding change: c.902G>A on transcript NM_004990.4 (MANE Select); coding-DNA position 902, G replaced by A.
Protein change: p.Arg301His; replaces arginine 301 with histidine.
Molecular consequence: missense variant.
Genome position (GRCh38, 1-based): chr12:57,498,434, G>A. VCF-style: chr12-57498434-G-A. GRCh37 (hg19) VCF-style: chr12-57892217-G-A.
Other names: short protein forms R301H.
Identifiers: ClinVar variation 1800252 (VCV001800252.5), dbSNP rs2540286647, ClinGen allele CA385455207.